The following is an entry in ClinVar:

NC_000018.9:g.(?_12337320)_(12340420_?)del

Gene: AFG3L2 (AFG3 like matrix AAA peptidase subunit 2; minus strand). Cytogenetic location: 18p11.21.
Variant type: Deletion.
Identifiers: ClinVar variation 3242801 (VCV003242801.1).

ClinVar aggregate classification (germline): Pathogenic (1 of 4 stars; one submission).

Submission:

Labcorp Genetics (formerly Invitae), Labcorp
Classification: Pathogenic. Last evaluated: 2022-11-15. Review status: criteria provided, single submitter. Criteria: Invitae Variant Classification Sherloc (09022015). Collection method: clinical testing. Allele origin: unknown.
Comment: For these reasons, this variant has been classified as Pathogenic. This variant disrupts a region of the AFG3L2 protein in which other variant(s) (p.Tyr616Cys) have been determined to be pathogenic (PMID: 22022284, 31111429). This suggests that this is a clinically significant region of the protein, and that variants that disrupt it are likely to be disease-causing. This variant has not been reported in the literature in individuals affected with AFG3L2-related conditions. This variant is a gross deletion of the genomic region encompassing exon(s) 15-16 of the AFG3L2 gene. This variant would be expected to be in-frame, preserving the integrity of the reading frame.

Literature cited by the submitters: PubMed 22022284; PubMed 31111429.